The following is an entry in ClinVar:

ClinVar aggregate classification (germline): Conflicting classifications of pathogenicity. Review status: criteria provided, conflicting classifications (1 of 4 stars). 4 submissions from 4 submitters: Uncertain significance (1); Benign (1); Likely benign (1). 1 of the submissions does not count toward it. Last evaluated 2026-01-25.

Conditions:
L1CAM-related disorder. Also called: L1CAM-related condition.
Spastic paraplegia. Identifiers: MedGen C0037772, HP:0001258.

Allele frequency attached by ClinVar (database versions not stated): gnomAD exomes 0.00016; ExAC 0.00024; gnomAD 0.00028; TOPMed 0.00049; ESP Exome Variant Server 0.00057; 1000 Genomes Project 0.00079; 1000 Genomes Project 30x 0.00083.
gnomAD v4.1: 86 of 1,209,257 alleles (0.0071%); highest among the groups gnomAD compares: African/African-American, 0.13%; no homozygotes.

Submissions (4):

Labcorp Genetics (formerly Invitae), Labcorp
Classification: Benign for Spastic paraplegia. Last evaluated: 2026-01-25. Review status: criteria provided, single submitter. Criteria: Invitae Variant Classification Sherloc (09022015). Collection method: clinical testing. Allele origin: germline.

CeGaT Center for Human Genetics Tuebingen
Classification: Likely benign. Last evaluated: 2023-01-01. Review status: criteria provided, single submitter. Criteria: CeGaT Center For Human Genetics Tuebingen Variant Classification Criteria Version 2. Collection method: clinical testing. Allele origin: germline. Affected: yes. Observed: 1 variant allele.
Comment: L1CAM: BS2

Eurofins Ntd Llc (ga)
Classification: Uncertain significance. Last evaluated: 2014-02-24. Review status: criteria provided, single submitter. Criteria: EGL Classification Definitions 2015. Collection method: clinical testing. Allele origin: germline. Observed: 2 variant alleles, 2 hemizygotes.

PreventionGenetics, part of Exact Sciences
Classification: Likely benign for L1CAM-related condition. Last evaluated: 2021-09-07. Review status: no assertion criteria provided. Collection method: clinical testing. Allele origin: germline. Not counted in ClinVar's aggregate classification.
Comment: This variant is classified as likely benign based on ACMG/AMP sequence variant interpretation guidelines (Richards et al. 2015 PMID: 25741868, with internal and published modifications).

NM_001278116.2(L1CAM):c.3192G>T (p.Ser1064=)

Gene: L1CAM (L1 cell adhesion molecule; minus strand). Cytogenetic location: Xq28.
Variant type: single nucleotide variant.
Coding change: c.3192G>T on transcript NM_001278116.2 (MANE Select); coding-DNA position 3192, G replaced by T.
Protein change: p.Ser1064=; no amino-acid change (serine 1064 retained).
Molecular consequence: synonymous variant.
Genome position (GRCh38, 1-based): chrX:153,864,452, C>A on the plus strand (G>T on the coding strand, the complement: L1CAM is on the minus strand). VCF-style: chrX-153864452-C-A. GRCh37 (hg19) VCF-style: chrX-153129907-C-A.
Other names: c.3192G>T, p.Ser1064= (NM_000425.5, NM_024003.3); c.3177G>T, p.Ser1059= (NM_001143963.2).
Identifiers: ClinVar variation 167237 (VCV000167237.39), dbSNP rs142563956, ClinGen allele CA234193.